The following is an entry in ClinVar:

NM_000163.5(GHR):c.1A>G (p.Met1Val)

Gene: GHR (growth hormone receptor; plus strand). Cytogenetic location: 5p12.
Variant type: single nucleotide variant.
Coding change: c.1A>G on transcript NM_000163.5 (MANE Select); coding-DNA position 1, A replaced by G.
Protein change: p.Met1Val; changes the start codon (methionine 1).
Molecular consequence: missense variant, initiator codon variant.
Genome position (GRCh38, 1-based): chr5:42,565,875, A>G. VCF-style: chr5-42565875-A-G. GRCh37 (hg19) VCF-style: chr5-42565977-A-G.
Other names: c.22A>G, p.Met8Val (NM_001242399.2); c.1A>G, p.Met1Val (NM_001242400.2, NM_001242401.4, NM_001242402.2 and 6 more transcripts); short protein forms M8V, M1V.
Identifiers: ClinVar variation 2734724 (VCV002734724.3), dbSNP rs752025877, ClinGen allele CA3254276.

ClinVar aggregate classification (germline): Pathogenic (1 of 4 stars; one submission).

Allele frequency attached by ClinVar (database versions not stated): gnomAD exomes below 0.00001; TOPMed below 0.00001; ExAC 0.00002.

Submission:

Labcorp Genetics (formerly Invitae), Labcorp
Classification: Pathogenic. Last evaluated: 2023-03-09. Review status: criteria provided, single submitter. Criteria: Invitae Variant Classification Sherloc (09022015). Collection method: clinical testing. Allele origin: germline.
Comment: For these reasons, this variant has been classified as Pathogenic. This variant disrupts a region of the GHR protein in which other variant(s) (p.Glu62Lys) have been observed in individuals with GHR-related conditions (PMID: 7565946). This suggests that this is a clinically significant region of the protein, and that variants that disrupt it are likely to be disease-causing. Disruption of the initiator codon has been observed in individuals with Laron's syndrome and/or Laron’s syndrome (PMID: 12199334, 29025428, 31429861). It has also been observed to segregate with disease in related individuals. This variant is present in population databases (rs752025877, gnomAD 0.006%). This sequence change affects the initiator methionine of the GHR mRNA. The next in-frame methionine is located at codon 188.

Literature cited by the submitters: PubMed 7565946; PubMed 12199334; PubMed 29025428; PubMed 31429861.